The following is an entry in ClinVar:

NM_000169.3(GLA):c.1100dup (p.Ala368fs)

Genes: GLA (galactosidase alpha; minus strand), RPL36A-HNRNPH2 (RPL36A-HNRNPH2 readthrough; plus strand). Cytogenetic location: Xq22.1.
Variant type: Duplication.
Coding change: c.1100dup on transcript NM_000169.3 (MANE Select); coding-DNA position 1100, one base duplicated (T; older notation c.1100dupT).
Protein change: p.Ala368fs; shifts the reading frame from alanine 368.
Molecular consequence: frameshift variant. On other transcripts: non-coding transcript variant (3), intron variant (2).
Genome position (GRCh38, 1-based): chrX:101,397,999, A duplicated on the plus strand (T on the coding strand, the reverse complement: GLA is on the minus strand). VCF-style (leftmost placement, unchanged base first): chrX-101397998-G-GA. GRCh37 (hg19) VCF-style: chrX-100652986-G-GA.
Other names: c.1223dup, p.Ala409fs (NM_001406747.1); c.300+2542dup (NM_001199973.2); c.177+6177dup (NM_001199974.2); short protein forms A368fs, A409fs.
Identifiers: ClinVar variation 4087064 (VCV004087064.2).
Genomic context (GRCh38, chrX:101,397,998, plus strand): 5'-GAGCTGTGTGATGAAGCAGGCAGGATTACAGGCCACTCCTTTACCCAGGGAAGCAACTGC[G>GA]ATGGTATAAGAGCGAGGTCCACCAATCTCCTGCCGGTTTATCATAGCTACAGCCCAGGCT-3'

ClinVar aggregate classification (germline): Pathogenic (1 of 4 stars; one submission).

Conditions:
Fabry disease. Also called: ALPHA-GALACTOSIDASE A DEFICIENCY; ANDERSON-FABRY DISEASE; CERAMIDE TRIHEXOSIDASE DEFICIENCY; GLA DEFICIENCY; HEREDITARY DYSTOPIC LIPIDOSIS; Angiokeratoma corporis diffusum. Identifiers: Orphanet 324, MedGen C0002986, MONDO:0010526, OMIM 301500, HP:0001071. Disease mechanism: Fabry disease is due to inactivating mutations in the X-linked GLA gene resulting in deficiency of the enzyme Alpha Galactosidase-A., loss of function.

Submission:

Genomenon, Inc
Classification: Pathogenic for Fabry disease. Last evaluated: 2026-09-08. Review status: criteria provided, single submitter. Criteria: Genomenon Sequence Variant Interpretation Standards - Updated. Collection method: curation. Allele origin: germline. Affected: yes.
Comment: GLA p.Ala368ArgfsTer7 (c.1100dup) is a frameshift variant that is predicted to introduce a premature termination codon and result in a truncated or absent protein product. This variant has been observed in at least one proband with clinical features consistent with Fabry disease (PMID:32843101). The variant was found to segregate with disease in at least one affected family (PMID:32843101). Functional or patient cell studies have been reported (PMID:32843101). It is absent or not present at a significant frequency in gnomAD. In conclusion, we classify GLA p.Ala368ArgfsTer7 (c.1100dup) as a pathogenic variant.

Literature cited by the submitters: PubMed 32843101.